The following is an entry in ClinVar:

NM_004672.5(MAP3K6):c.1182A>G (p.Ser394=)

Gene: MAP3K6 (mitogen-activated protein kinase kinase kinase 6; minus strand). Cytogenetic location: 1p36.11.
Variant type: single nucleotide variant.
Coding change: c.1182A>G on transcript NM_004672.5 (MANE Select); coding-DNA position 1182, A replaced by G.
Protein change: p.Ser394=; no amino-acid change (serine 394 retained).
Molecular consequence: synonymous variant.
Genome position (GRCh38, 1-based): chr1:27,362,714, T>C on the plus strand (A>G on the coding strand, the complement: MAP3K6 is on the minus strand). VCF-style: chr1-27362714-T-C. GRCh37 (hg19) VCF-style: chr1-27689205-T-C.
Other names: c.1158A>G, p.Ser386= (NM_001297609.2).
Identifiers: ClinVar variation 733210 (VCV000733210.7), dbSNP rs370344078, ClinGen allele CA713855.

ClinVar aggregate classification (germline): Likely benign. Review status: criteria provided, multiple submitters, no conflicts (2 of 4 stars). 4 submissions from 4 submitters: Likely benign (3). 1 of the submissions does not count toward it. Last evaluated 2024-09-05.

Conditions:
MAP3K6-related disorder. Also called: MAP3K6-related condition.

Allele frequency attached by ClinVar (database versions not stated): gnomAD 0.00006; gnomAD exomes 0.00006 and 0.00010; ESP Exome Variant Server 0.00008; TOPMed 0.00012; ExAC 0.00013.
gnomAD v4.1: 109 of 1,611,212 alleles (0.0068%); highest among the groups gnomAD compares: Middle Eastern, 0.049%; no homozygotes.

Submissions (4):

Blueprint Genetics
Classification: Likely benign. Last evaluated: 2024-09-05. Review status: criteria provided, single submitter. Criteria: ACMG Guidelines, 2015. Collection method: clinical testing. Allele origin: germline.

Labcorp Genetics (formerly Invitae), Labcorp
Classification: Likely benign. Last evaluated: 2018-07-02. Review status: criteria provided, single submitter. Criteria: Invitae Variant Classification Sherloc (09022015). Collection method: clinical testing. Allele origin: germline.

Breakthrough Genomics
Classification: Likely benign. Review status: criteria provided, single submitter. Criteria: ACMG Guidelines, 2015. Collection method: not provided. Allele origin: germline. Inheritance: Unknown mechanism. Affected: yes.

PreventionGenetics, part of Exact Sciences
Classification: Likely benign for MAP3K6-related condition. Last evaluated: 2019-04-30. Review status: no assertion criteria provided. Collection method: clinical testing. Allele origin: germline. Not counted in ClinVar's aggregate classification.
Comment: This variant is classified as likely benign based on ACMG/AMP sequence variant interpretation guidelines (Richards et al. 2015 PMID: 25741868, with internal and published modifications).